The following is an entry in ClinVar:

NM_000587.4(C7):c.281-1G>T

Gene: C7 (complement C7; plus strand). Cytogenetic location: 5p13.1.
Variant type: single nucleotide variant.
Coding change: c.281-1G>T on transcript NM_000587.4 (MANE Select); the canonical splice acceptor site of the intron before coding-DNA position 281, G replaced by T.
Molecular consequence: splice acceptor variant.
Genome position (GRCh38, 1-based): chr5:40,936,337, G>T. VCF-style: chr5-40936337-G-T. GRCh37 (hg19) VCF-style: chr5-40936439-G-T.
Other names: c.281-1G>T (NM_000587.3).
Identifiers: ClinVar variation 225308 (VCV000225308.12), dbSNP rs531103546, ClinGen allele CA3249595.
Genomic context (GRCh38, chr5:40,936,337, plus strand): 5'-CTGGGTAGTGTTTCTCCTCTTCCCTCTTTTACATTTGCACGTGGATTTCTCTGGTGTTCA[G>T]GTCAGTGCATCAGCAAATCATTGGTTTGCAATGGGGATTCTGACTGTGATGAAGACAGTG-3'

ClinVar aggregate classification (germline): Pathogenic/Likely pathogenic. Review status: criteria provided, multiple submitters, no conflicts (2 of 4 stars). 6 submissions from 6 submitters: Pathogenic (5); Likely pathogenic (1). Last evaluated 2025-08-13.

Conditions:
Complement component 7 deficiency (C7D). Also called: C7 DEFICIENCY. Identifiers: MedGen C1864694, MONDO:0012412, OMIM 610102.

Allele frequency attached by ClinVar (database versions not stated): gnomAD 0.00001 and 0.00003; TOPMed 0.00004; ExAC 0.00011; gnomAD exomes 0.00012; 1000 Genomes Project 30x 0.00016; 1000 Genomes Project 0.00020.
gnomAD v4.1: 68 of 1,613,116 alleles (0.0042%); highest among the groups gnomAD compares: East Asian, 0.15%; no homozygotes.

Submissions (6):

3billion
Classification: Pathogenic for Complement component 7 deficiency. Last evaluated: 2025-08-13. Review status: criteria provided, single submitter. Criteria: ACMG Guidelines, 2015. Collection method: clinical testing. Allele origin: germline. Affected: yes.
Comment: The variant is observed at an extremely low frequency in the gnomAD v4.1.0 dataset (total allele frequency: 0.004%). Predicted Consequence/Location: Canonical splice site: predicted to alter splicing and result in a loss or disruption of normal protein function. Multiple pathogenic loss-of-function variants are reported downstream of the variant. The variant has been reported to be in trans with a pathogenic variant as either compound heterozygous or homozygous in at least one similarly affected unrelated individual (3billion dataset). The variant has been reported at least twice as pathogenic with clinical assertions and evidence for the classification (ClinVar ID: VCV000225308 /PMID: 15831990 /3billion dataset). Therefore, this variant is classified as Pathogenic according to the recommendation of ACMG/AMP guideline.

New York Genome Center
Classification: Pathogenic for Complement component 7 deficiency. Last evaluated: 2023-05-01. Review status: criteria provided, single submitter. Criteria: NYGC Assertion Criteria 2020. Collection method: clinical testing. Allele origin: inherited. Observed: 1 variant allele, 1 compound heterozygote.
Comment: The inherited c.281-1G>T variant has previously been reported as homozygous or as compound heterozygous in multiple individuals affected with C7 deficiency and a history of meningococcal meningitis infections [PMID:15831990, 16552475, 33787610, 28368462] and it has been deposited in ClinVar [ClinVar ID:225308] as Pathogenic (2 submissions). The c.281-1G>T variant is observed in 42 out of ~587,000 heterozygous alleles (no homozygotes) in population databases (gnomAD v2.1.1 and v3.1.2, TOPMed Freeze 8) suggesting it is not a common benign variant in the context of autosomal recessive C7 deficiency. The c.281-1G>T variant is located in the canonical splice acceptor site in intron 4 of this 18-exon gene and is presumed to result in loss of native splice acceptor site, which might result in loss-of-function either through protein truncation or nonsense mediated decay. Based on available evidence, this paternally inherited c.281-1G>T variant identified in the C7 gene is classified as Pathogenic.

Labcorp Genetics (formerly Invitae), Labcorp
Classification: Pathogenic. Last evaluated: 2023-03-31. Review status: criteria provided, single submitter. Criteria: Invitae Variant Classification Sherloc (09022015). Collection method: clinical testing. Allele origin: germline.
Comment: Disruption of this splice site has been observed in individual(s) with C7 deficiency (PMID: 15831990). In at least one individual the data is consistent with being in trans (on the opposite chromosome) from a pathogenic variant. For these reasons, this variant has been classified as Pathogenic. Algorithms developed to predict the effect of sequence changes on RNA splicing suggest that this variant may disrupt the consensus splice site. ClinVar contains an entry for this variant (Variation ID: 225308). The frequency data for this variant in the population databases is considered unreliable, as metrics indicate poor data quality at this position in the gnomAD database. This sequence change affects an acceptor splice site in intron 4 of the C7 gene. It is expected to disrupt RNA splicing. Variants that disrupt the donor or acceptor splice site typically lead to a loss of protein function (PMID: 16199547), and loss-of-function variants in C7 are known to be pathogenic (PMID: 9856499, 17407100).

Department of Pathology and Laboratory Medicine, Sinai Health System
Classification: Likely pathogenic for Complement component 7 deficiency. Last evaluated: 2023-03-15. Review status: criteria provided, single submitter. Criteria: ACMG Guidelines, 2015. Collection method: research. Allele origin: germline.

Soonchunhyang University Bucheon Hospital, Soonchunhyang University Medical Center
Classification: Pathogenic for Complement component 7 deficiency. Last evaluated: 2016-03-18. Review status: criteria provided, single submitter. Criteria: ACMG Guidelines, 2015. Collection method: reference population. Allele origin: germline. Observed: 1 variant allele.

Juno Genomics, Hangzhou Juno Genomics, Inc
Classification: Pathogenic for Complement component 7 deficiency. Review status: criteria provided, single submitter. Criteria: ACMG Guidelines, 2015. Collection method: clinical testing. Allele origin: germline.
Comment: Absent from controls (or at extremely low frequency if recessive) in Genome Aggregation Database.;Null variant in a gene where loss of function (LOF) is a known mechanism of disease.;For recessive disorders, detected in trans with a pathogenic variant.;Patient's phenotype or family history is highly specific for a disease with a single genetic etiology.

Literature cited by the submitters: PubMed 15831990 (cited by 4 submitters); PubMed 16552475 (cited by New York Genome Center); PubMed 33787610 (cited by New York Genome Center); PubMed 28368462 (cited by New York Genome Center); PubMed 16199547 (cited by Labcorp Genetics (formerly Invitae), Labcorp); PubMed 9856499 (cited by Labcorp Genetics (formerly Invitae), Labcorp); PubMed 17407100 (cited by Labcorp Genetics (formerly Invitae), Labcorp).